The following is an entry in ClinVar:

ClinVar aggregate classification (germline): Benign/Likely benign. Review status: criteria provided, multiple submitters, no conflicts (2 of 4 stars). 5 submissions from 5 submitters: Benign (3); Likely benign (1). 1 of the submissions does not count toward it. Last evaluated 2025-12-23.

Conditions:
PIBF1-related disorder. Also called: PIBF1-related condition.

Allele frequency attached by ClinVar (database versions not stated): ExAC 0.00102; 1000 Genomes Project 30x 0.00281; gnomAD 0.00291 and 0.00319; gnomAD exomes 0.00078; ESP Exome Variant Server 0.00361; TOPMed 0.00323; 1000 Genomes Project 0.00339.
gnomAD v4.1: 893 of 1,614,024 alleles (0.055%); highest among the groups gnomAD compares: African/African-American, 1%; 6 homozygotes.

Submissions (5):

Labcorp Genetics (formerly Invitae), Labcorp
Classification: Benign. Last evaluated: 2025-12-23. Review status: criteria provided, single submitter. Criteria: Invitae Variant Classification Sherloc (09022015). Collection method: clinical testing. Allele origin: germline.

CeGaT Center for Human Genetics Tuebingen
Classification: Likely benign. Last evaluated: 2025-03-01. Review status: criteria provided, single submitter. Criteria: CeGaT Center For Human Genetics Tuebingen Variant Classification Criteria Version 2. Collection method: clinical testing. Allele origin: germline. Affected: yes. Observed: 1 variant allele.
Comment: PIBF1: BS1

Genetic Services Laboratory, University of Chicago
Classification: Benign. Last evaluated: 2021-10-19. Review status: criteria provided, single submitter. Criteria: ACMG Guidelines, 2015. Collection method: clinical testing. Allele origin: germline. Affected: no.

Breakthrough Genomics
Classification: Benign. Review status: criteria provided, single submitter. Criteria: ACMG Guidelines, 2015. Collection method: not provided. Allele origin: germline. Inheritance: Autosomal recessive inheritance. Affected: yes.

PreventionGenetics, part of Exact Sciences
Classification: Benign for PIBF1-related condition. Last evaluated: 2019-05-08. Review status: no assertion criteria provided. Collection method: clinical testing. Allele origin: germline. Not counted in ClinVar's aggregate classification.
Comment: This variant is classified as benign based on ACMG/AMP sequence variant interpretation guidelines (Richards et al. 2015 PMID: 25741868, with internal and published modifications).

NM_006346.4(PIBF1):c.218T>C (p.Met73Thr)

Genes: DIS3 (DIS3 exosome endoribonuclease and 3'-5' exoribonuclease; minus strand), PIBF1 (progesterone immunomodulatory binding factor 1; plus strand). Cytogenetic location: 13q21.33.
Variant type: single nucleotide variant.
Coding change: c.218T>C on transcript NM_006346.4 (MANE Select); coding-DNA position 218, T replaced by C.
Protein change: p.Met73Thr; replaces methionine 73 with threonine.
Molecular consequence: missense variant. On other transcripts: non-coding transcript variant (2).
Genome position (GRCh38, 1-based): chr13:72,783,687, T>C. VCF-style: chr13-72783687-T-C. GRCh37 (hg19) VCF-style: chr13-73357825-T-C.
Other names: c.218T>C, p.Met73Thr (NM_001349655.2); short protein forms M73T.
Identifiers: ClinVar variation 790854 (VCV000790854.23), dbSNP rs113877701, ClinGen allele CA7001862.